The following is an entry in ClinVar:

ClinVar aggregate classification (germline): Uncertain significance (1 of 4 stars; one submission).

Allele frequency attached by ClinVar (database versions not stated): TOPMed below 0.00001.

Submission:

Labcorp Genetics (formerly Invitae), Labcorp
Classification: Uncertain significance. Last evaluated: 2024-12-19. Review status: criteria provided, single submitter. Criteria: Invitae Variant Classification Sherloc (09022015). Collection method: clinical testing. Allele origin: germline.
Comment: This sequence change replaces alanine, which is neutral and non-polar, with threonine, which is neutral and polar, at codon 858 of the RIN2 protein (p.Ala858Thr). This variant is not present in population databases (gnomAD no frequency). This variant has not been reported in the literature in individuals affected with RIN2-related conditions. ClinVar contains an entry for this variant (Variation ID: 1895819). Experimental studies and prediction algorithms are not available or were not evaluated, and the functional significance of this variant is currently unknown. In summary, the available evidence is currently insufficient to determine the role of this variant in disease. Therefore, it has been classified as a Variant of Uncertain Significance.

NM_018993.4(RIN2):c.2572G>A (p.Ala858Thr)

Gene: RIN2 (Ras and Rab interactor 2; plus strand). Cytogenetic location: 20p11.23.
Variant type: single nucleotide variant.
Coding change: c.2572G>A on transcript NM_018993.4 (MANE Select); coding-DNA position 2572, G replaced by A.
Protein change: p.Ala858Thr; replaces alanine 858 with threonine.
Molecular consequence: missense variant.
Genome position (GRCh38, 1-based): chr20:20,000,820, G>A. VCF-style: chr20-20000820-G-A. GRCh37 (hg19) VCF-style: chr20-19981464-G-A.
Other names: c.2719G>A, p.Ala907Thr (NM_001242581.2); c.1954G>A, p.Ala652Thr (NM_001378238.1); short protein forms A652T, A907T, A858T.
Identifiers: ClinVar variation 1895819 (VCV001895819.5), dbSNP rs2043120752, ClinGen allele CA408367847.